The following is an entry in ClinVar:

NM_001005361.3(DNM2):c.2292-3C>T

Gene: DNM2 (dynamin 2; plus strand). Cytogenetic location: 19p13.2.
Variant type: single nucleotide variant.
Coding change: c.2292-3C>T on transcript NM_001005361.3 (MANE Select); 3 bases into the intron before coding-DNA position 2292, C replaced by T.
Molecular consequence: intron variant.
Genome position (GRCh38, 1-based): chr19:10,830,124, C>T. VCF-style: chr19-10830124-C-T. GRCh37 (hg19) VCF-style: chr19-10940800-C-T.
Other names: c.2292-3C>T (NM_001005360.3, NM_001190716.2); c.2280-3C>T (NM_004945.4, NM_001005362.3).
Identifiers: ClinVar variation 2009215 (VCV002009215.4), dbSNP rs1291911256, ClinGen allele CA631755124.

ClinVar aggregate classification (germline): Uncertain significance (1 of 4 stars; one submission).

Conditions:
Charcot-Marie-Tooth disease dominant intermediate B (CMTDIB). Also called: Charcot-Marie-Tooth disease dominant intermediate 1; CMT DI1; Charcot-Marie-Tooth disease dominant intermediate I; CHARCOT-MARIE-TOOTH NEUROPATHY, DOMINANT INTERMEDIATE B. Identifiers: Orphanet 100044, Orphanet 228179, MedGen C1847902, MONDO:0011674, OMIM 606482.

Allele frequency attached by ClinVar (database versions not stated): gnomAD exomes below 0.00001; TOPMed 0.00001.
gnomAD v4.1: 2 of 1,613,862 alleles (0.00012%); highest among the groups gnomAD compares: Admixed American, 0.0033%; no homozygotes.

Submission:

Labcorp Genetics (formerly Invitae), Labcorp
Classification: Uncertain significance for Charcot-Marie-Tooth disease dominant intermediate B. Last evaluated: 2024-09-03. Review status: criteria provided, single submitter. Criteria: Invitae Variant Classification Sherloc (09022015). Collection method: clinical testing. Allele origin: germline.
Comment: This sequence change falls in intron 19 of the DNM2 gene. It does not directly change the encoded amino acid sequence of the DNM2 protein. It affects a nucleotide within the consensus splice site. This variant is present in population databases (no rsID available, gnomAD 0.003%). This variant has not been reported in the literature in individuals affected with DNM2-related conditions. ClinVar contains an entry for this variant (Variation ID: 2009215). Variants that disrupt the consensus splice site are a relatively common cause of aberrant splicing (PMID: 17576681, 9536098). Algorithms developed to predict the effect of sequence changes on RNA splicing suggest that this variant is not likely to affect RNA splicing. In summary, the available evidence is currently insufficient to determine the role of this variant in disease. Therefore, it has been classified as a Variant of Uncertain Significance.

Literature cited by the submitters: PubMed 17576681; PubMed 9536098.